The following is an entry in ClinVar:

NM_012079.6(DGAT1):c.1084C>T (p.Arg362Trp)

Genes: DGAT1 (diacylglycerol O-acyltransferase 1; minus strand), LOC130001383 (ATAC-STARR-seq lymphoblastoid active region 28093; plus strand). Cytogenetic location: 8q24.3.
Variant type: single nucleotide variant.
Coding change: c.1084C>T on transcript NM_012079.6 (MANE Select); coding-DNA position 1084, C replaced by T.
Protein change: p.Arg362Trp; replaces arginine 362 with tryptophan.
Molecular consequence: missense variant.
Genome position (GRCh38, 1-based): chr8:144,317,343, G>A on the plus strand (C>T on the coding strand, the complement: DGAT1 is on the minus strand). VCF-style: chr8-144317343-G-A. GRCh37 (hg19) VCF-style: chr8-145541006-G-A.
Other names: short protein forms R362W.
Identifiers: ClinVar variation 2097188 (VCV002097188.2), dbSNP rs781826408, ClinGen allele CA4936692.
Genomic context (GRCh38, chr8:144,317,343, plus strand): 5'-AGCACACCATGGCCCATCCCAGCCCCCAGGGACACCCCAGGGACACTCACCACCAGTCCC[G>A]GTAGAACTCCCGGTCTCCAAACTGCATGAGCTCAGCCACGGCATTCAGGCAGGAGTGGAA-3'
Protein context (NP_036211.2, residues 352-372): LMQFGDREFY[Arg362Trp]DWWNSESVTY

ClinVar aggregate classification (germline): Uncertain significance (1 of 4 stars; one submission).

Allele frequency attached by ClinVar (database versions not stated): ExAC 0.00002; gnomAD exomes 0.00001; TOPMed 0.00002.

Submission:

Labcorp Genetics (formerly Invitae), Labcorp
Classification: Uncertain significance. Last evaluated: 2025-02-24. Review status: criteria provided, single submitter. Criteria: Invitae Variant Classification Sherloc (09022015). Collection method: clinical testing. Allele origin: germline.
Comment: This sequence change replaces arginine, which is basic and polar, with tryptophan, which is neutral and slightly polar, at codon 362 of the DGAT1 protein (p.Arg362Trp). This variant is present in population databases (rs781826408, gnomAD 0.008%). This variant has not been reported in the literature in individuals affected with DGAT1-related conditions. ClinVar contains an entry for this variant (Variation ID: 2097188). Invitae Evidence Modeling of protein sequence and biophysical properties (such as structural, functional, and spatial information, amino acid conservation, physicochemical variation, residue mobility, and thermodynamic stability) indicates that this missense variant is expected to disrupt DGAT1 protein function with a positive predictive value of 80%. In summary, the available evidence is currently insufficient to determine the role of this variant in disease. Therefore, it has been classified as a Variant of Uncertain Significance.